The following is an entry in ClinVar:

ClinVar aggregate classification (germline): Uncertain significance (1 of 4 stars; one submission).

Conditions:
Bloom syndrome (BLM). Also called: Bloom-Torre-Machacek syndrome. Identifiers: Orphanet 125, MedGen C0005859, MONDO:0008876, OMIM 210900.

Allele frequency attached by ClinVar (database versions not stated): gnomAD exomes below 0.00001.
gnomAD v4.1: 5 of 1,540,014 alleles (0.00032%); highest among the groups gnomAD compares: Non-Finnish European, 0.00044%; no homozygotes.

Submission:

Labcorp Genetics (formerly Invitae), Labcorp
Classification: Uncertain significance for Bloom syndrome. Last evaluated: 2023-03-18. Review status: criteria provided, single submitter. Criteria: Invitae Variant Classification Sherloc (09022015). Collection method: clinical testing. Allele origin: germline.
Comment: In summary, the available evidence is currently insufficient to determine the role of this variant in disease. Therefore, it has been classified as a Variant of Uncertain Significance. Advanced modeling of protein sequence and biophysical properties (such as structural, functional, and spatial information, amino acid conservation, physicochemical variation, residue mobility, and thermodynamic stability) performed at Invitae indicates that this missense variant is not expected to disrupt BLM protein function. This variant has not been reported in the literature in individuals affected with BLM-related conditions. This variant is not present in population databases (gnomAD no frequency). This sequence change replaces glutamine, which is neutral and polar, with lysine, which is basic and polar, at codon 585 of the BLM protein (p.Gln585Lys).

NM_000057.4(BLM):c.1753C>A (p.Gln585Lys)

Gene: BLM (BLM RecQ like helicase; plus strand). Cytogenetic location: 15q26.1.
Variant type: single nucleotide variant.
Coding change: c.1753C>A on transcript NM_000057.4 (MANE Select); coding-DNA position 1753, C replaced by A.
Protein change: p.Gln585Lys; replaces glutamine 585 with lysine.
Molecular consequence: missense variant.
Genome position (GRCh38, 1-based): chr15:90,761,126, C>A. VCF-style: chr15-90761126-C-A. GRCh37 (hg19) VCF-style: chr15-91304356-C-A.
Other names: c.1753C>A, p.Gln585Lys (NM_001287246.2, NM_001287247.2); c.628C>A, p.Gln210Lys (NM_001287248.2); short protein forms Q585K, Q210K.
Identifiers: ClinVar variation 2846807 (VCV002846807.3), dbSNP rs2505428696, ClinGen allele CA393843768.